The following is an entry in ClinVar:

NM_006258.4(PRKG1):c.1265G>A (p.Arg422His)

Gene: PRKG1 (protein kinase cGMP-dependent 1; plus strand). Cytogenetic location: 10q21.1.
Variant type: single nucleotide variant.
Coding change: c.1265G>A on transcript NM_006258.4 (MANE Select); coding-DNA position 1265, G replaced by A.
Protein change: p.Arg422His; replaces arginine 422 with histidine.
Molecular consequence: missense variant.
Genome position (GRCh38, 1-based): chr10:52,271,441, G>A. VCF-style: chr10-52271441-G-A. GRCh37 (hg19) VCF-style: chr10-54031201-G-A.
Other names: c.1220G>A, p.Arg407His (NM_001098512.3); c.56G>A, p.Arg19His (NM_001374781.1); short protein forms R407H, R422H, R19H.
Identifiers: ClinVar variation 3310206 (VCV003310206.1).

ClinVar aggregate classification (germline): Uncertain significance (1 of 4 stars; one submission).

Conditions:
Familial thoracic aortic aneurysm and aortic dissection (TAAD). Also called: Thoracic aortic aneurysms and dissections. Identifiers: Orphanet 91387, MedGen C4707243, MONDO:0019625.

gnomAD v4.1: 6 of 1,612,894 alleles (0.00037%); highest among the groups gnomAD compares: African/African-American, 0.0013%; no homozygotes.

Submission:

Ambry Genetics
Classification: Uncertain significance for Familial thoracic aortic aneurysm and aortic dissection. Last evaluated: 2024-05-19. Review status: criteria provided, single submitter. Criteria: Ambry Variant Classification Scheme 2023. Collection method: clinical testing. Allele origin: germline.
Comment: The p.R422H variant (also known as c.1265G>A), located in coding exon 11 of the PRKG1 gene, results from a G to A substitution at nucleotide position 1265. The arginine at codon 422 is replaced by histidine, an amino acid with highly similar properties. This amino acid position is conserved. In addition, the in silico prediction for this alteration is inconclusive. Based on the available evidence, the clinical significance of this variant remains unclear.